The following is an entry in ClinVar:

ClinVar aggregate classification (germline): Likely benign (0 of 4 stars; one submission).

Conditions:
TBX3-related disorder. Also called: TBX3-related condition.

Submission:

PreventionGenetics, part of Exact Sciences
Classification: Likely benign for TBX3-related condition. Last evaluated: 2023-07-17. Review status: no assertion criteria provided. Collection method: clinical testing. Allele origin: germline.
Comment: This variant is classified as likely benign based on ACMG/AMP sequence variant interpretation guidelines (Richards et al. 2015 PMID: 25741868, with internal and published modifications).

NC_000012.12:g.114684341A>G

Genes: TBX3 (T-box transcription factor 3; minus strand), TBX3-AS1 (TBX3 antisense RNA 1; plus strand), LOC109286556 (TBX3 promoter region; plus strand). Cytogenetic location: 12q24.21.
Variant type: single nucleotide variant.
Genome position: GRCh38 VCF-style: chr12-114684341-A-G. GRCh37 (hg19) VCF-style: chr12-115122146-A-G.
Identifiers: ClinVar variation 3356853 (VCV003356853.1).